The following is an entry in ClinVar:

NM_013275.6(ANKRD11):c.5288G>T (p.Arg1763Met)

Gene: ANKRD11 (ankyrin repeat domain containing 11; minus strand). Cytogenetic location: 16q24.3.
Variant type: single nucleotide variant.
Coding change: c.5288G>T on transcript NM_013275.6 (MANE Select); coding-DNA position 5288, G replaced by T.
Protein change: p.Arg1763Met; replaces arginine 1763 with methionine.
Molecular consequence: missense variant.
Genome position (GRCh38, 1-based): chr16:89,281,254, C>A on the plus strand (G>T on the coding strand, the complement: ANKRD11 is on the minus strand). VCF-style: chr16-89281254-C-A. GRCh37 (hg19) VCF-style: chr16-89347662-C-A.
Other names: c.5288G>T, p.Arg1763Met (NM_001256182.2, NM_001256183.2); short protein forms R1763M.
Identifiers: ClinVar variation 3731046 (VCV003731046.1).

ClinVar aggregate classification (germline): Uncertain significance (1 of 4 stars; one submission).

Submission:

GeneDx
Classification: Uncertain significance. Last evaluated: 2024-08-13. Review status: criteria provided, single submitter. Criteria: GeneDx Variant Classification Process June 2021. Collection method: clinical testing. Allele origin: germline. Affected: yes.
Comment: Not observed at significant frequency in large population cohorts (gnomAD); In silico analysis supports that this missense variant has a deleterious effect on protein structure/function; Has not been previously published as pathogenic or benign to our knowledge